The following is an entry in ClinVar:

NM_198578.4(LRRK2):c.5395G>C (p.Asp1799His)

Gene: LRRK2 (leucine rich repeat kinase 2; plus strand). Cytogenetic location: 12q12.
Variant type: single nucleotide variant.
Coding change: c.5395G>C on transcript NM_198578.4 (MANE Select); coding-DNA position 5395, G replaced by C.
Protein change: p.Asp1799His; replaces aspartic acid 1799 with histidine.
Molecular consequence: missense variant.
Genome position (GRCh38, 1-based): chr12:40,322,396, G>C. VCF-style: chr12-40322396-G-C. GRCh37 (hg19) VCF-style: chr12-40716198-G-C.
Other names: short protein forms D1799H.
Identifiers: ClinVar variation 1747246 (VCV001747246.4), dbSNP rs747940465, ClinGen allele CA6514438.

ClinVar aggregate classification (germline): Uncertain significance. Review status: criteria provided, multiple submitters, no conflicts (2 of 4 stars). 2 submissions from 2 submitters: Uncertain significance (2). Last evaluated 2024-11-09.

Conditions:
Inborn genetic diseases. Identifiers: MedGen C0950123, MeSH D030342.

Allele frequency attached by ClinVar (database versions not stated): gnomAD exomes below 0.00001; ExAC 0.00001.
gnomAD v4.1: 2 of 1,613,612 alleles (0.00012%); highest among the groups gnomAD compares: Non-Finnish European, 0.00017%; no homozygotes.

Submissions (2):

Ambry Genetics
Classification: Uncertain significance for Inborn genetic diseases. Last evaluated: 2024-11-09. Review status: criteria provided, single submitter. Criteria: Ambry Variant Classification Scheme 2023. Collection method: clinical testing. Allele origin: germline.
Comment: The p.D1799H variant (also known as c.5395G>C), located in coding exon 37 of the LRRK2 gene, results from a G to C substitution at nucleotide position 5395. The aspartic acid at codon 1799 is replaced by histidine, an amino acid with similar properties. This amino acid position is conserved. In addition, the in silico prediction for this alteration is inconclusive. Since supporting evidence is limited at this time, the clinical significance of this alteration remains unclear.

GeneDx
Classification: Uncertain significance. Last evaluated: 2024-10-11. Review status: criteria provided, single submitter. Criteria: GeneDx Variant Classification Process June 2021. Collection method: clinical testing. Allele origin: germline. Affected: yes.
Comment: Not observed at significant frequency in large population cohorts (gnomAD); In silico analysis supports that this missense variant has a deleterious effect on protein structure/function; Has not been previously published as pathogenic or benign to our knowledge